The following is an entry in ClinVar:

ClinVar aggregate classification (germline): Uncertain significance. Review status: reviewed by expert panel (3 of 4 stars). 2 submissions from 2 submitters: Uncertain significance (1). 1 of the submissions does not count toward it. Last evaluated 2024-09-16.

Conditions:
Hereditary thrombocytopenia and hematological cancer predisposition syndrome associated with RUNX1. Also called: Familial Platelet Disorder with Propensity to Acute Myelogenous Leukemia; Familial thrombocytopenia with propensity to acute myelogenous leukemia; PLATELET DISORDER, ASPIRIN-LIKE; RUNX1 Familial Platelet Disorder with Associated Myeloid Malignancies. Identifiers: Orphanet 71290, MedGen C1832388, MeSH C563324, MONDO:0100083, OMIM 601399.
Hereditary thrombocytopenia and hematologic cancer predisposition syndrome. Identifiers: Orphanet 71290, MedGen CN281654, MONDO:0011071.

Submissions (2):

ClinGen Myeloid Malignancy Variant Curation Expert Panel
Classification: Uncertain significance for Hereditary thrombocytopenia and hematologic cancer predisposition syndrome. Last evaluated: 2024-09-16. Review status: reviewed by expert panel. Criteria: ClinGen MyeloMalig ACMG Specifications v2. Collection method: curation. Allele origin: germline. Inheritance: Autosomal dominant inheritance.
Comment: NM_001754.5(RUNX1):c.1382A>C (p.Asn461Thr) is a missense variant which has a REVEL score < 0.50 (0.133), and a SpliceAI score ≤ 0.20 (0.0) (BP4). In summary, the clinical significance of this variant is uncertain. ACMG/AMP criteria applied, as specified by the Myeloid Malignancy Variant Curation Expert Panel for RUNX1: BP4.

Labcorp Genetics (formerly Invitae), Labcorp
Classification: Uncertain significance for Hereditary thrombocytopenia and hematological cancer predisposition syndrome associated with RUNX1. Last evaluated: 2023-01-12. Review status: criteria provided, single submitter. Criteria: Invitae Variant Classification Sherloc (09022015). Collection method: clinical testing. Allele origin: germline. Not counted in ClinVar's aggregate classification.
Comment: This sequence change replaces asparagine, which is neutral and polar, with threonine, which is neutral and polar, at codon 461 of the RUNX1 protein (p.Asn461Thr). This variant is not present in population databases (gnomAD no frequency). This variant has not been reported in the literature in individuals affected with RUNX1-related conditions. Advanced modeling of protein sequence and biophysical properties (such as structural, functional, and spatial information, amino acid conservation, physicochemical variation, residue mobility, and thermodynamic stability) performed at Invitae indicates that this missense variant is not expected to disrupt RUNX1 protein function. In summary, the available evidence is currently insufficient to determine the role of this variant in disease. Therefore, it has been classified as a Variant of Uncertain Significance.

NM_001754.5(RUNX1):c.1382A>C (p.Asn461Thr)

Gene: RUNX1 (RUNX family transcription factor 1; minus strand). Cytogenetic location: 21q22.12.
Variant type: single nucleotide variant.
Coding change: c.1382A>C on transcript NM_001754.5 (MANE Select); coding-DNA position 1382, A replaced by C.
Protein change: p.Asn461Thr; replaces asparagine 461 with threonine.
Molecular consequence: missense variant.
Genome position (GRCh38, 1-based): chr21:34,792,196, T>G on the plus strand (A>C on the coding strand, the complement: RUNX1 is on the minus strand). VCF-style: chr21-34792196-T-G. GRCh37 (hg19) VCF-style: chr21-36164493-T-G.
Other names: NM_001754.5(RUNX1):c.1382A>C; p.Asn461Thr; c.1301A>C, p.Asn434Thr (NM_001001890.3); short protein forms N461T, N434T.
Identifiers: ClinVar variation 2826469 (VCV002826469.4), dbSNP rs1601332087, ClinGen allele CA410146980.